The following is an entry in ClinVar:

NM_005591.4(MRE11):c.1109G>C (p.Ser370Thr)

Gene: MRE11 (MRE11 double strand break repair nuclease; minus strand). Cytogenetic location: 11q21.
Variant type: single nucleotide variant.
Coding change: c.1109G>C on transcript NM_005591.4 (MANE Select); coding-DNA position 1109, G replaced by C.
Protein change: p.Ser370Thr; replaces serine 370 with threonine.
Molecular consequence: missense variant.
Genome position (GRCh38, 1-based): chr11:94,464,229, C>G on the plus strand (G>C on the coding strand, the complement: MRE11 is on the minus strand). VCF-style: chr11-94464229-C-G. GRCh37 (hg19) VCF-style: chr11-94197395-C-G.
Other names: c.1109G>C, p.Ser370Thr (NM_001330347.2, NM_005590.4); short protein forms S370T.
Identifiers: ClinVar variation 2433797 (VCV002433797.4), dbSNP rs1343465167, ClinGen allele CA382373056.

ClinVar aggregate classification (germline): Uncertain significance. Review status: criteria provided, multiple submitters, no conflicts (2 of 4 stars). 2 submissions from 2 submitters: Uncertain significance (2). Last evaluated 2023-11-29.

Conditions:
Hereditary cancer-predisposing syndrome. Also called: Hereditary Cancer Syndrome; Neoplastic Syndromes, Hereditary; Tumor predisposition; Hereditary neoplastic syndrome. Identifiers: Orphanet 140162, MedGen C0027672, MeSH D009386, MONDO:0015356.
Ataxia-telangiectasia-like disorder 1 (ATLD1). Identifiers: Orphanet 251347, MedGen C4012790, MONDO:0024557, OMIM 604391.

Submissions (2):

Ambry Genetics
Classification: Uncertain significance for Hereditary cancer-predisposing syndrome. Last evaluated: 2023-11-29. Review status: criteria provided, single submitter. Criteria: Ambry Variant Classification Scheme 2023. Collection method: clinical testing. Allele origin: germline.
Comment: The p.S370T variant (also known as c.1109G>C), located in coding exon 10 of the MRE11A gene, results from a G to C substitution at nucleotide position 1109. The serine at codon 370 is replaced by threonine, an amino acid with similar properties. This amino acid position is conserved. In addition, this alteration is predicted to be tolerated by in silico analysis. Since supporting evidence is limited at this time, the clinical significance of this alteration remains unclear.

Revvity Omics, Revvity
Classification: Uncertain significance for Ataxia-telangiectasia-like disorder 1. Last evaluated: 2019-02-22. Review status: criteria provided, single submitter. Criteria: ACMG Guidelines, 2015. Collection method: clinical testing. Allele origin: germline.